The following is an entry in ClinVar:

ClinVar aggregate classification (germline): Uncertain significance (1 of 4 stars; one submission).

Submission:

Labcorp Genetics (formerly Invitae), Labcorp
Classification: Uncertain significance. Last evaluated: 2023-09-22. Review status: criteria provided, single submitter. Criteria: Invitae Variant Classification Sherloc (09022015). Collection method: clinical testing. Allele origin: germline.
Comment: In summary, the available evidence is currently insufficient to determine the role of this variant in disease. Therefore, it has been classified as a Variant of Uncertain Significance. An algorithm developed to predict the effect of missense changes on protein structure and function (PolyPhen-2) suggests that this variant is likely to be tolerated. This variant has not been reported in the literature in individuals affected with GABRA2-related conditions. This variant is not present in population databases (gnomAD no frequency). This sequence change replaces proline, which is neutral and non-polar, with alanine, which is neutral and non-polar, at codon 389 of the GABRA2 protein (p.Pro389Ala).

NM_000807.4(GABRA2):c.1059+5657C>G

Gene: GABRA2 (gamma-aminobutyric acid type A receptor subunit alpha2; minus strand). Cytogenetic location: 4p12.
Variant type: single nucleotide variant.
Coding change: c.1059+5657C>G on transcript NM_000807.4 (MANE Select); 5657 bases into the intron after coding-DNA position 1059, C replaced by G.
Molecular consequence: intron variant. On other transcripts: missense variant (4).
Genome position (GRCh38, 1-based): chr4:46,256,269, G>C on the plus strand (C>G on the coding strand, the complement: GABRA2 is on the minus strand). VCF-style: chr4-46256269-G-C. GRCh37 (hg19) VCF-style: chr4-46258286-G-C.
Other names: c.1000C>G, p.Pro334Ala (NM_001286827.3); c.1165C>G, p.Pro389Ala (NM_001330690.2, NM_001377144.1, NM_001377145.1); c.894+5657C>G (NM_001377154.1, NM_001377152.1, NM_001377153.1); c.1059+5657C>G (NM_001377146.1, NM_001377150.1, NM_001377147.1 and 4 more transcripts); short protein forms P334A, P389A.
Identifiers: ClinVar variation 2745758 (VCV002745758.3), dbSNP rs1268638532, ClinGen allele CA356803440.